The following is an entry in ClinVar:

ClinVar aggregate classification (germline): Uncertain significance (1 of 4 stars; one submission).

Conditions:
Epilepsy, childhood absence, susceptibility to, 1. Also called: Epilepsy, childhood absence 1. Identifiers: Orphanet 64280, MedGen C1838604, MONDO:0020759, OMIM 600131.
Epilepsy, childhood absence, susceptibility to, 5. Identifiers: Orphanet 64280, MedGen C2677087, MONDO:0012843, OMIM 612269.

Submission:

Labcorp Genetics (formerly Invitae), Labcorp
Classification: Uncertain significance for Epilepsy, childhood absence, susceptibility to, 5; Epilepsy, childhood absence, susceptibility to, 1. Last evaluated: 2020-09-01. Review status: criteria provided, single submitter. Criteria: Invitae Variant Classification Sherloc (09022015). Collection method: clinical testing. Allele origin: germline.
Comment: This sequence change replaces tyrosine with cysteine at codon 82 of the GABRB3 protein (p.Tyr82Cys). The tyrosine residue is highly conserved and there is a large physicochemical difference between tyrosine and cysteine. This variant is not present in population databases (ExAC no frequency). This variant has been observed in individual(s) with clinical features of early infantile epileptic encephalopathy (Invitae). Algorithms developed to predict the effect of missense changes on protein structure and function are either unavailable or do not agree on the potential impact of this missense change (SIFT: "Deleterious"; PolyPhen-2: "Probably Damaging"; Align-GVGD: "Class C0"). In summary, the available evidence is currently insufficient to determine the role of this variant in disease. Therefore, it has been classified as a Variant of Uncertain Significance.

NM_000814.6(GABRB3):c.245A>G (p.Tyr82Cys)

Gene: GABRB3 (gamma-aminobutyric acid type A receptor subunit beta3; minus strand). Cytogenetic location: 15q12.
Variant type: single nucleotide variant.
Coding change: c.245A>G on transcript NM_000814.6 (MANE Select); coding-DNA position 245, A replaced by G.
Protein change: p.Tyr82Cys; replaces tyrosine 82 with cysteine.
Molecular consequence: missense variant. On other transcripts: 5 prime UTR variant (2), non-coding transcript variant (1).
Genome position (GRCh38, 1-based): chr15:26,621,530, T>C on the plus strand (A>G on the coding strand, the complement: GABRB3 is on the minus strand). VCF-style: chr15-26621530-T-C. GRCh37 (hg19) VCF-style: chr15-26866677-T-C.
Other names: c.-11A>G (NM_001191320.2, NM_001278631.2); c.32A>G, p.Tyr11Cys (NM_001191321.3); c.245A>G, p.Tyr82Cys (NM_021912.5); short protein forms Y82C, Y11C.
Identifiers: ClinVar variation 1045096 (VCV001045096.8), dbSNP rs1892483792, ClinGen allele CA391461846.